The following is an entry in ClinVar:

NM_000158.4(GBE1):c.1801C>T (p.Gln601Ter)

Gene: GBE1 (1,4-alpha-glucan branching enzyme 1; minus strand). Cytogenetic location: 3p12.2.
Variant type: single nucleotide variant.
Coding change: c.1801C>T on transcript NM_000158.4 (MANE Select); coding-DNA position 1801, C replaced by T.
Protein change: p.Gln601Ter; replaces glutamine 601 with a stop codon.
Molecular consequence: nonsense.
Genome position (GRCh38, 1-based): chr3:81,536,913, G>A on the plus strand (C>T on the coding strand, the complement: GBE1 is on the minus strand). VCF-style: chr3-81536913-G-A. GRCh37 (hg19) VCF-style: chr3-81586064-G-A.
Other names: short protein forms Q601*.
Identifiers: ClinVar variation 4817835 (VCV004817835.1).

ClinVar aggregate classification (germline): Likely pathogenic (1 of 4 stars; one submission).

Conditions:
Glycogen storage disease, type IV (GSD4). Also called: AMYLOPECTINOSIS; ANDERSEN DISEASE; BRANCHER DEFICIENCY; CIRRHOSIS, FAMILIAL, WITH DEPOSITION OF ABNORMAL GLYCOGEN; GBE1 DEFICIENCY; GLYCOGEN BRANCHING ENZYME DEFICIENCY. Identifiers: Orphanet 367, MedGen C0017923, MONDO:0009292, OMIM 232500.

Submission:

Natera, Inc.
Classification: Likely pathogenic for Glycogen storage disease type IV. Last evaluated: 2026-01-20. Review status: criteria provided, single submitter. Criteria: Natera Variant Classification Schema (03/2026). Collection method: clinical testing. Allele origin: germline.
Comment: The c.1801C>T variant in GBE1 is a nonsense variant predicted to introduce a stop codon at amino acid 601. This variant is expected to result in nonsense mediated decay, truncation, or a dysfunctional protein product. This variant is rare in the general population with a frequency below the threshold expected for the associated phenotype(s). Given the available evidence, this variant is classified as Likely Pathogenic.